The following is an entry in ClinVar:

NM_000395.3(CSF2RB):c.313G>A (p.Val105Ile)

Genes: CSF2RB (colony stimulating factor 2 receptor subunit beta; plus strand), LOC126863140 (BRD4-independent group 4 enhancer GRCh37_chr22:37321546-37322745; plus strand). Cytogenetic location: 22q12.3.
Variant type: single nucleotide variant.
Coding change: c.313G>A on transcript NM_000395.3 (MANE Select); coding-DNA position 313, G replaced by A.
Protein change: p.Val105Ile; replaces valine 105 with isoleucine.
Molecular consequence: missense variant.
Genome position (GRCh38, 1-based): chr22:36,926,099, G>A. VCF-style: chr22-36926099-G-A. GRCh37 (hg19) VCF-style: chr22-37322141-G-A.
Other names: short protein forms V105I.
Identifiers: ClinVar variation 1638210 (VCV001638210.9), dbSNP rs373460188, ClinGen allele CA10213432.

ClinVar aggregate classification (germline): Conflicting classifications of pathogenicity. Review status: criteria provided, conflicting classifications (1 of 4 stars). 3 submissions from 3 submitters: Uncertain significance (1); Likely benign (2). Last evaluated 2025-11-25.

Conditions:
Surfactant metabolism dysfunction, pulmonary, 5 (SMDP5). Also called: PULMONARY ALVEOLAR PROTEINOSIS 5; PAP DUE TO CSF2RB DEFICIENCY; CSF2RB DEFICIENCY. Identifiers: Orphanet 264675, MedGen C3280574, MONDO:0013712, OMIM 614370.

Allele frequency attached by ClinVar (database versions not stated): gnomAD 0.00001 and 0.00005; TOPMed 0.00002; ESP Exome Variant Server 0.00008; gnomAD exomes 0.00015 and 0.00029; 1000 Genomes Project 30x 0.00031; ExAC 0.00031; 1000 Genomes Project 0.00040.
gnomAD v4.1: 216 of 1,614,178 alleles (0.013%); highest among the groups gnomAD compares: South Asian, 0.19%; 1 homozygote.

Submissions (3):

Labcorp Genetics (formerly Invitae), Labcorp
Classification: Likely benign. Last evaluated: 2025-11-25. Review status: criteria provided, single submitter. Criteria: Invitae Variant Classification Sherloc (09022015). Collection method: clinical testing. Allele origin: germline.

Blueprint Genetics
Classification: Likely benign. Last evaluated: 2024-09-24. Review status: criteria provided, single submitter. Criteria: ACMG Guidelines, 2015. Collection method: clinical testing. Allele origin: germline.

Center for Genomics, Ann and Robert H. Lurie Children's Hospital of Chicago
Classification: Uncertain significance for Surfactant metabolism dysfunction, pulmonary, 5. Last evaluated: 2021-07-26. Review status: criteria provided, single submitter. Criteria: ACMG Guidelines, 2015. Collection method: clinical testing. Allele origin: germline.
Comment: CSF2RB NM_000395.2 exon 4 p.Val105Ile (c.313G>A): This variant has not been reported in the literature but is present in 0.001% (1/41436) of European alleles in the Genome Aggregation Database. This variant amino acid Isoleucine (Ile) is present in several species including multiple mammals and is not well conserved among evolutionarily distant species; this suggests that this variant may not impact the protein. Additional computational prediction tools do not suggest an impact. In summary, data on this variant is insufficient for disease classification. Therefore, the clinical significance of this variant is uncertain.